The following is an entry in ClinVar:

NM_000702.4(ATP1A2):c.2707T>C (p.Trp903Arg)

Gene: ATP1A2 (ATPase Na+/K+ transporting subunit alpha 2; plus strand). Cytogenetic location: 1q23.2.
Variant type: single nucleotide variant.
Coding change: c.2707T>C on transcript NM_000702.4 (MANE Select); coding-DNA position 2707, T replaced by C.
Protein change: p.Trp903Arg; replaces tryptophan 903 with arginine.
Molecular consequence: missense variant.
Genome position (GRCh38, 1-based): chr1:160,136,713, T>C. VCF-style: chr1-160136713-T-C. GRCh37 (hg19) VCF-style: chr1-160106503-T-C.
Other names: short protein forms W903R.
Identifiers: ClinVar variation 1303800 (VCV001303800.2), dbSNP rs2101996239, ClinGen allele CA343252363.

ClinVar aggregate classification (germline): Uncertain significance (1 of 4 stars; one submission).

Submission:

GeneDx
Classification: Uncertain significance. Last evaluated: 2019-05-18. Review status: criteria provided, single submitter. Criteria: GeneDx Variant Classification Process June 2021. Collection method: clinical testing. Allele origin: germline. Affected: yes.
Comment: Not observed in large population cohorts (Lek et al., 2016); In silico analysis, which includes protein predictors and evolutionary conservation, supports a deleterious effect; Has not been previously published as pathogenic or benign to our knowledge